The following is an entry in ClinVar:

ClinVar aggregate classification (germline): Likely benign. Review status: criteria provided, multiple submitters, no conflicts (2 of 4 stars). 2 submissions from 2 submitters: Likely benign (2). Last evaluated 2025-09-17.

Allele frequency attached by ClinVar (database versions not stated): gnomAD exomes 0.00001 and 0.00004; gnomAD 0.00002 and 0.00003; ExAC 0.00003; TOPMed 0.00003.
gnomAD v4.1: 62 of 1,613,810 alleles (0.0038%); highest among the groups gnomAD compares: Middle Eastern, 0.099%; 1 homozygote.

Submissions (2):

Labcorp Genetics (formerly Invitae), Labcorp
Classification: Likely benign. Last evaluated: 2025-09-17. Review status: criteria provided, single submitter. Criteria: Invitae Variant Classification Sherloc (09022015). Collection method: clinical testing. Allele origin: germline.

CeGaT Center for Human Genetics Tuebingen
Classification: Likely benign. Last evaluated: 2023-11-01. Review status: criteria provided, single submitter. Criteria: CeGaT Center For Human Genetics Tuebingen Variant Classification Criteria Version 2. Collection method: clinical testing. Allele origin: germline. Affected: yes. Observed: 1 variant allele.
Comment: PMPCA: BP4, BP7

NM_015160.3(PMPCA):c.1479C>T (p.Ala493=)

Gene: PMPCA (peptidase, mitochondrial processing subunit alpha; plus strand). Cytogenetic location: 9q34.3.
Variant type: single nucleotide variant.
Coding change: c.1479C>T on transcript NM_015160.3 (MANE Select); coding-DNA position 1479, C replaced by T.
Protein change: p.Ala493=; no amino-acid change (alanine 493 retained).
Molecular consequence: synonymous variant.
Genome position (GRCh38, 1-based): chr9:136,423,165, C>T. VCF-style: chr9-136423165-C-T. GRCh37 (hg19) VCF-style: chr9-139317617-C-T.
Other names: c.1086C>T, p.Ala362= (NM_001282944.2); c.1179C>T, p.Ala393= (NM_001282946.2).
Identifiers: ClinVar variation 722462 (VCV000722462.28), dbSNP rs770009497, ClinGen allele CA5336567.